The following is an entry in ClinVar:

NM_003235.5(TG):c.2963G>A (p.Arg988His)

Gene: TG (thyroglobulin; plus strand). Cytogenetic location: 8q24.22.
Variant type: single nucleotide variant.
Coding change: c.2963G>A on transcript NM_003235.5 (MANE Select); coding-DNA position 2963, G replaced by A.
Protein change: p.Arg988His; replaces arginine 988 with histidine.
Molecular consequence: missense variant.
Genome position (GRCh38, 1-based): chr8:132,893,891, G>A. VCF-style: chr8-132893891-G-A. GRCh37 (hg19) VCF-style: chr8-133906136-G-A.
Other names: short protein forms R988H.
Identifiers: ClinVar variation 769745 (VCV000769745.18), dbSNP rs16893332, ClinGen allele CA4883551.

ClinVar aggregate classification (germline): Conflicting classifications of pathogenicity. Review status: criteria provided, conflicting classifications (1 of 4 stars). 4 submissions from 4 submitters: Uncertain significance (1); Benign (2); Likely benign (1). Last evaluated 2026-02-02.

Conditions:
Iodotyrosyl coupling defect (TDH3). Also called: HYPOTHYROIDISM, CONGENITAL, DUE TO DYSHORMONOGENESIS, 3; THYROID HORMONOGENESIS, GENETIC DEFECT IN, 3. Identifiers: Orphanet 95716, MedGen C0342194, MONDO:0010135, OMIM 274700.

Allele frequency attached by ClinVar (database versions not stated): 1000 Genomes Project 0.01138; 1000 Genomes Project 30x 0.01187.
gnomAD v4.1: 6,911 of 1,614,026 alleles (0.43%); highest among the groups gnomAD compares: Middle Eastern, 3.2%; 66 homozygotes.

Submissions (4):

Labcorp Genetics (formerly Invitae), Labcorp
Classification: Benign. Last evaluated: 2026-02-02. Review status: criteria provided, single submitter. Criteria: Invitae Variant Classification Sherloc (09022015). Collection method: clinical testing. Allele origin: germline.

CeGaT Center for Human Genetics Tuebingen
Classification: Benign. Last evaluated: 2026-02-01. Review status: criteria provided, single submitter. Criteria: CeGaT Center For Human Genetics Tuebingen Variant Classification Criteria Version 2. Collection method: clinical testing. Allele origin: germline. Affected: yes. Observed: 2 variant alleles.
Comment: TG: BP4, BS1, BS2

Genomic Medicine Center of Excellence, King Faisal Specialist Hospital and Research Centre
Classification: Likely benign. Last evaluated: 2025-07-30. Review status: criteria provided, single submitter. Criteria: ACMG Guidelines, 2015. Collection method: clinical testing. Allele origin: germline.

Illumina Laboratory Services, Illumina
Classification: Uncertain significance for Iodotyrosyl coupling defect. Last evaluated: 2018-01-12. Review status: criteria provided, single submitter. Criteria: ICSL Variant Classification Criteria 13 December 2019. Collection method: clinical testing. Allele origin: germline.